The following is an entry in ClinVar:

ClinVar aggregate classification (germline): Likely pathogenic. Review status: criteria provided, single submitter (1 of 4 stars). 2 submissions from 2 submitters: Likely pathogenic (1). 1 of the submissions does not count toward it. Last evaluated 2018-07-12.

Conditions:
Telangiectasia, hereditary hemorrhagic, type 2 (HHT2). Also called: ACVRL1-Related Hereditary Hemorrhagic Telangiectasia; Telangiectasia, hereditary hemorrhagic, type II. Identifiers: Orphanet 774, MedGen C1838163, MONDO:0010880, OMIM 600376. Disease mechanism: loss of function.
Pulmonary hypertension, primary, 1 (PPH1). Also called: Pulmonary hypertension, familial primary, 1, with or without HHT. Identifiers: Orphanet 422, MedGen C4552070, MONDO:0024533, OMIM 178600.

Submissions (2):

Labcorp Genetics (formerly Invitae), Labcorp
Classification: Likely pathogenic for Telangiectasia, hereditary hemorrhagic, type 2. Last evaluated: 2018-07-12. Review status: criteria provided, single submitter. Criteria: Invitae Variant Classification Sherloc (09022015). Collection method: clinical testing. Allele origin: germline.
Comment: This sequence change replaces proline with threonine at codon 424 of the ACVRL1 protein (p.Pro424Thr). The proline residue is highly conserved and there is a small physicochemical difference between proline and threonine. This variant is not present in population databases (ExAC no frequency). This variant has been observed in individuals affected with hereditary hemorrhagic telangiectasia (PMID: 9245985) and pulmonary arterial hypertension (PMID: 18159113, Invitae). ClinVar contains an entry for this variant (Variation ID: 426028). Algorithms developed to predict the effect of missense changes on protein structure and function (SIFT, PolyPhen-2, Align-GVGD) all suggest that this variant is likely to be disruptive, but these predictions have not been confirmed by published functional studies and their clinical significance is uncertain. Variants that disrupt the p.Pro424 amino acid residue in ACVRL1 have been observed in affected individuals (PMID: 9245985, 18159113, 15712271, 22781769). This suggests that it is a clinically significant residue, and that other variants that disrupt this residue are likely to be causative of disease. In summary, the currently available evidence indicates that the variant is pathogenic, but additional data are needed to prove that conclusively. Therefore, this variant has been classified as Likely Pathogenic.

Rare Disease Genomics Group, St George's University of London
Classification: Pathogenic for Primary pulmonary hypertension. Review status: no assertion criteria provided. Collection method: literature only. Allele origin: germline. Affected: yes. Not counted in ClinVar's aggregate classification.

Literature cited by the submitters: PubMed 9245985 (cited by Labcorp Genetics (formerly Invitae), Labcorp); PubMed 18159113 (cited by Labcorp Genetics (formerly Invitae), Labcorp and Rare Disease Genomics Group, St George's University of London); PubMed 15712271 (cited by Labcorp Genetics (formerly Invitae), Labcorp); PubMed 22781769 (cited by Labcorp Genetics (formerly Invitae), Labcorp).

NM_000020.3(ACVRL1):c.1270C>A (p.Pro424Thr)

Gene: ACVRL1 (activin A receptor like type 1; plus strand). Cytogenetic location: 12q13.13.
Variant type: single nucleotide variant.
Coding change: c.1270C>A on transcript NM_000020.3 (MANE Select); coding-DNA position 1270, C replaced by A.
Protein change: p.Pro424Thr; replaces proline 424 with threonine.
Molecular consequence: missense variant.
Genome position (GRCh38, 1-based): chr12:51,919,008, C>A. VCF-style: chr12-51919008-C-A. GRCh37 (hg19) VCF-style: chr12-52312792-C-A.
Other names: c.1270C>A, p.Pro424Thr (NM_001077401.2); short protein forms P424T.
Identifiers: ClinVar variation 426028 (VCV000426028.9), dbSNP rs1085307419, ClinGen allele CA384903725.